The following is an entry in ClinVar:

ClinVar aggregate classification (germline): Benign. Review status: criteria provided, multiple submitters, no conflicts (2 of 4 stars). 2 submissions from 2 submitters: Benign (2). Last evaluated 2018-06-14.

Allele frequency attached by ClinVar (database versions not stated): 1000 Genomes Project 0.05711; 1000 Genomes Project 30x 0.06074; gnomAD exomes 0.07415; gnomAD 0.08282 and 0.08649; TOPMed 0.08613.
gnomAD v4.1: 89,493 of 1,187,646 alleles (7.5%); highest among the groups gnomAD compares: African/African-American, 11%; 3,806 homozygotes.

Submissions (2):

GeneDx
Classification: Benign. Last evaluated: 2018-06-14. Review status: criteria provided, single submitter. Criteria: GeneDx Variant Classification (06012015). Collection method: clinical testing. Allele origin: germline. Affected: yes.
Comment: This variant is considered likely benign or benign based on one or more of the following criteria: it is a conservative change, it occurs at a poorly conserved position in the protein, it is predicted to be benign by multiple in silico algorithms, and/or has population frequency not consistent with disease.

Breakthrough Genomics
Classification: Benign. Review status: criteria provided, single submitter. Criteria: ACMG Guidelines, 2015. Collection method: not provided. Allele origin: germline. Inheritance: Autosomal recessive inheritance. Affected: yes.

NM_175614.5(NDUFA11):c.190+150G>A

Gene: NDUFA11 (NADH:ubiquinone oxidoreductase subunit A11; minus strand). Cytogenetic location: 19p13.3.
Variant type: single nucleotide variant.
Coding change: c.190+150G>A on transcript NM_175614.5 (MANE Select); 150 bases into the intron after coding-DNA position 190, G replaced by A.
Molecular consequence: intron variant.
Genome position (GRCh38, 1-based): chr19:5,896,755, C>T on the plus strand (G>A on the coding strand, the complement: NDUFA11 is on the minus strand). VCF-style: chr19-5896755-C-T. GRCh37 (hg19) VCF-style: chr19-5896766-C-T.
Other names: c.190+150G>A (NM_001193375.3).
Identifiers: ClinVar variation 676293 (VCV000676293.2), dbSNP rs702064, ClinGen allele CA304693747.